The following is an entry in ClinVar:

ClinVar aggregate classification (germline): Uncertain significance. Review status: criteria provided, multiple submitters, no conflicts (2 of 4 stars). 4 submissions from 4 submitters: Uncertain significance (4). Last evaluated 2024-09-30.

Conditions:
Hereditary spastic paraplegia 48. Also called: SPASTIC PARAPLEGIA 48, AUTOSOMAL RECESSIVE; Spastic paraplegia 48. Identifiers: Orphanet 306511, MedGen C3150901, MONDO:0013342, OMIM 613647.
Hereditary spastic paraplegia. Also called: Familial spastic paraparesis. Identifiers: Orphanet 685, MedGen C0037773, MONDO:0019064. Disease mechanism: loss of function.

Allele frequency attached by ClinVar (database versions not stated): gnomAD 0.00002 and 0.00004; gnomAD exomes 0.00003; TOPMed 0.00003; ExAC 0.00005.
gnomAD v4.1: 44 of 1,605,228 alleles (0.0027%); highest among the groups gnomAD compares: Non-Finnish European, 0.0033%; no homozygotes.

Submissions (4):

Labcorp Genetics (formerly Invitae), Labcorp
Classification: Uncertain significance for Hereditary spastic paraplegia 48. Last evaluated: 2024-09-30. Review status: criteria provided, single submitter. Criteria: Invitae Variant Classification Sherloc (09022015). Collection method: clinical testing. Allele origin: germline.
Comment: This sequence change replaces arginine, which is basic and polar, with glutamine, which is neutral and polar, at codon 91 of the AP5Z1 protein (p.Arg91Gln). This variant is present in population databases (rs750211507, gnomAD 0.006%). This variant has not been reported in the literature in individuals affected with AP5Z1-related conditions. ClinVar contains an entry for this variant (Variation ID: 424695). Invitae Evidence Modeling of protein sequence and biophysical properties (such as structural, functional, and spatial information, amino acid conservation, physicochemical variation, residue mobility, and thermodynamic stability) indicates that this missense variant is not expected to disrupt AP5Z1 protein function with a negative predictive value of 80%. In summary, the available evidence is currently insufficient to determine the role of this variant in disease. Therefore, it has been classified as a Variant of Uncertain Significance.

GeneDx
Classification: Uncertain significance. Last evaluated: 2022-08-30. Review status: criteria provided, single submitter. Criteria: GeneDx Variant Classification Process June 2021. Collection method: clinical testing. Allele origin: germline. Affected: yes.
Comment: In silico analysis supports that this missense variant does not alter protein structure/function; Has not been previously published as pathogenic or benign to our knowledge

CeGaT Center for Human Genetics Tuebingen
Classification: Uncertain significance. Last evaluated: 2022-08-01. Review status: criteria provided, single submitter. Criteria: CeGaT Center For Human Genetics Tuebingen Variant Classification Criteria Version 2. Collection method: clinical testing. Allele origin: germline. Affected: yes. Observed: 1 variant allele.
Comment: AP5Z1: PM2:Supporting, BP4

Unit for Genetic & Epidemiological Research on Neurological Disorders, Instituto de Investigação e Inovação em Saúde
Classification: Uncertain significance for Hereditary spastic paraplegia. Last evaluated: 2017-03-07. Review status: criteria provided, single submitter. Criteria: Morais et al. (Eur J Hum Genet. 2017). Collection method: research. Allele origin: unknown. Affected: yes.

NM_014855.3(AP5Z1):c.272G>A (p.Arg91Gln)

Gene: AP5Z1 (adaptor related protein complex 5 subunit zeta 1; plus strand). Cytogenetic location: 7p22.1.
Variant type: single nucleotide variant.
Coding change: c.272G>A on transcript NM_014855.3 (MANE Select); coding-DNA position 272, G replaced by A.
Protein change: p.Arg91Gln; replaces arginine 91 with glutamine.
Molecular consequence: missense variant. On other transcripts: non-coding transcript variant (1), intron variant (1).
Genome position (GRCh38, 1-based): chr7:4,781,660, G>A. VCF-style: chr7-4781660-G-A. GRCh37 (hg19) VCF-style: chr7-4821291-G-A.
Other names: c.272G>A, p.Arg91Gln (LRG_1247t1); c.-103+348G>A (NM_001364858.1); short protein forms R91Q.
Identifiers: ClinVar variation 424695 (VCV000424695.31), dbSNP rs750211507, ClinGen allele CA4137130.